The following is an entry in ClinVar:

NM_024408.4(NOTCH2):c.2219+9C>T

Gene: NOTCH2 (notch receptor 2; minus strand). Cytogenetic location: 1p12.
Variant type: single nucleotide variant.
Coding change: c.2219+9C>T on transcript NM_024408.4 (MANE Select); 9 bases into the intron after coding-DNA position 2219, C replaced by T.
Molecular consequence: intron variant.
Genome position (GRCh38, 1-based): chr1:119,955,031, G>A on the plus strand (C>T on the coding strand, the complement: NOTCH2 is on the minus strand). VCF-style: chr1-119955031-G-A. GRCh37 (hg19) VCF-style: chr1-120497654-G-A.
Other names: c.2219+9C>T (NM_024408.3, NM_001200001.2).
Identifiers: ClinVar variation 2724434 (VCV002724434.5), dbSNP rs782337798, ClinGen allele CA1040365.

ClinVar aggregate classification (germline): Benign. Review status: criteria provided, single submitter (1 of 4 stars). 2 submissions from 2 submitters: Benign (1). 1 of the submissions does not count toward it. Last evaluated 2025-07-06.

Conditions:
Hajdu-Cheney syndrome (HJCYS). Also called: ACROOSTEOLYSIS WITH OSTEOPOROSIS AND CHANGES IN SKULL AND MANDIBLE; SERPENTINE FIBULA-POLYCYSTIC KIDNEY SYNDROME; Acroosteolysis dominant type. Identifiers: Orphanet 955, MedGen C0917715, MONDO:0007057, OMIM 102500.
NOTCH2-related disorder. Also called: NOTCH2-related condition.

Allele frequency attached by ClinVar (database versions not stated): TOPMed 0.00006; gnomAD exomes 0.00002; gnomAD 0.00004; ExAC 0.00013.
gnomAD v4.1: 40 of 1,613,136 alleles (0.0025%); highest among the groups gnomAD compares: East Asian, 0.08%; no homozygotes.

Submissions (2):

Labcorp Genetics (formerly Invitae), Labcorp
Classification: Benign for Hajdu-Cheney syndrome. Last evaluated: 2025-07-06. Review status: criteria provided, single submitter. Criteria: Invitae Variant Classification Sherloc (09022015). Collection method: clinical testing. Allele origin: germline.

PreventionGenetics, part of Exact Sciences
Classification: Likely benign for NOTCH2-related condition. Last evaluated: 2022-02-08. Review status: no assertion criteria provided. Collection method: clinical testing. Allele origin: germline. Not counted in ClinVar's aggregate classification.
Comment: This variant is classified as likely benign based on ACMG/AMP sequence variant interpretation guidelines (Richards et al. 2015 PMID: 25741868, with internal and published modifications).